The following is an entry in ClinVar:

ClinVar aggregate classification (germline): Pathogenic (1 of 4 stars; one submission).

Conditions:
Arginine:glycine amidinotransferase deficiency (CCDS3). Also called: Creatine deficiency syndrome due to AGAT deficiency; GATM deficiency; Cerebral creatine deficiency syndrome 3; AGAT deficiency; L-Arginine:Glycine Amidinotransferase Deficiency; L-Arginine:Glycine Amidinotransferase (AGAT) Deficiency. Identifiers: Orphanet 35704, MedGen C2675179, MONDO:0012996, OMIM 612718.

Submission:

Labcorp Genetics (formerly Invitae), Labcorp
Classification: Pathogenic for Arginine:glycine amidinotransferase deficiency. Last evaluated: 2023-10-28. Review status: criteria provided, single submitter. Criteria: Invitae Variant Classification Sherloc (09022015). Collection method: clinical testing. Allele origin: unknown.
Comment: This variant is a gross deletion of the genomic region encompassing exon(s) 1-3 of the GATM gene, which includes the initiator codon. This deletion extends beyond the assayed region for this gene and therefore may encompass additional genes. It is expected to result in an absent or disrupted protein product. Loss-of-function variants in GATM are known to be pathogenic (PMID: 11555793). This variant has not been reported in the literature in individuals affected with GATM-related conditions. For these reasons, this variant has been classified as Pathogenic.

Literature cited by the submitters: PubMed 11555793.

NC_000015.9:g.(?_45661504)_(45670651_?)del

Gene: GATM (glycine amidinotransferase; minus strand). Cytogenetic location: 15q21.1.
Variant type: Deletion.
Identifiers: ClinVar variation 3243810 (VCV003243810.1).